The following is an entry in ClinVar:

ClinVar aggregate classification (germline): Likely pathogenic (1 of 4 stars; one submission).

Submission:

Dasa
Classification: Likely pathogenic. Last evaluated: 2025-02-04. Review status: criteria provided, single submitter. Criteria: DASA Assertion Criteria. Collection method: clinical testing. Allele origin: germline.
Comment: NM_001079872.2(CUL4B):c.737_744dup (p.His249Alafs*23) is a frameshift variant in CUL4B predicted to alter the reading frame and introduce a premature termination codon and is predicted to result in an absent or altered protein product. Loss of function is an established disease mechanism for CUL4B (PMID: 17236139; PMID: 17273978; PMID: 22182342). Also, this variant is absent from population databases. Based on the currently available evidence, this variant is classified as likely pathogenic.

Literature cited by the submitters: PubMed 17236139; PubMed 17273978; PubMed 22182342.

NM_001079872.2(CUL4B):c.737_744dup (p.His249fs)

Gene: CUL4B (cullin 4B; minus strand). Cytogenetic location: Xq24.
Variant type: Duplication.
Coding change: c.737_744dup on transcript NM_001079872.2 (MANE Select); coding-DNA positions 737 to 744, 8 bases duplicated (GCGAAGAT; older notation c.737_744dupGCGAAGAT).
Protein change: p.His249fs; shifts the reading frame from histidine 249.
Molecular consequence: frameshift variant.
Genome position (GRCh38, 1-based): chrX:120,547,168-120,547,175, ATCTTCGC duplicated on the plus strand (GCGAAGAT on the coding strand, the reverse complement: CUL4B is on the minus strand); duplicating any 8 consecutive bases within chrX:120,547,168-120,547,176 gives the same sequence; the c. name uses the placement nearest the transcript's 3' end. VCF-style (leftmost placement, unchanged base first): chrX-120547167-G-GATCTTCGC. GRCh37 (hg19) VCF-style: chrX-119681022-G-GATCTTCGC.
Other names: c.752_759dup, p.His254fs (NM_001330624.2); c.203_210dup, p.His71fs (NM_001369145.1); c.791_798dup, p.His267fs (NM_003588.4); short protein forms H249fs, H254fs, H267fs, H71fs.
Identifiers: ClinVar variation 4856852 (VCV004856852.2).